The following is an entry in ClinVar:

ClinVar aggregate classification (germline): Uncertain significance (1 of 4 stars; one submission).

Allele frequency attached by ClinVar (database versions not stated): gnomAD 0.00001; gnomAD exomes 0.00003; TOPMed 0.00003; ExAC 0.00004.
gnomAD v4.1: 21 of 1,612,334 alleles (0.0013%); highest among the groups gnomAD compares: Admixed American, 0.033%; no homozygotes.

Submission:

Labcorp Genetics (formerly Invitae), Labcorp
Classification: Uncertain significance. Last evaluated: 2022-07-29. Review status: criteria provided, single submitter. Criteria: Invitae Variant Classification Sherloc (09022015). Collection method: clinical testing. Allele origin: germline.
Comment: This sequence change replaces glutamic acid, which is acidic and polar, with lysine, which is basic and polar, at codon 236 of the XRCC4 protein (p.Glu236Lys). This variant is present in population databases (rs762812825, gnomAD 0.04%). This variant has not been reported in the literature in individuals affected with XRCC4-related conditions. Algorithms developed to predict the effect of missense changes on protein structure and function are either unavailable or do not agree on the potential impact of this missense change (SIFT: "Not Available"; PolyPhen-2: "Probably Damaging"; Align-GVGD: "Not Available"). In summary, the available evidence is currently insufficient to determine the role of this variant in disease. Therefore, it has been classified as a Variant of Uncertain Significance.

NM_003401.5(XRCC4):c.706G>A (p.Glu236Lys)

Gene: XRCC4 (X-ray repair cross complementing 4; plus strand). Cytogenetic location: 5q14.2.
Variant type: single nucleotide variant.
Coding change: c.706G>A on transcript NM_003401.5 (MANE Select); coding-DNA position 706, G replaced by A.
Protein change: p.Glu236Lys; replaces glutamic acid 236 with lysine.
Molecular consequence: missense variant.
Genome position (GRCh38, 1-based): chr5:83,204,882, G>A. VCF-style: chr5-83204882-G-A. GRCh37 (hg19) VCF-style: chr5-82500701-G-A.
Other names: c.706G>A, p.Glu236Lys (NM_001131022.1, NM_001318012.3, NM_001318013.2 and 2 more transcripts); short protein forms E236K.
Identifiers: ClinVar variation 2156749 (VCV002156749.1), dbSNP rs762812825, ClinGen allele CA3332237.
Genomic context (GRCh38, chr5:83,204,882, plus strand): 5'-GCAATCTGTTCTGAAATGACTGCTGACCGAGATCCAGTCTATGATGAGAGTACTGATGAG[G>A]AAAGTGAAAACCAAACTGATCTCTCTGGGTTGGCTTCAGGTAAGAGATACATACATTTAT-3'
Protein context (NP_003392.1, residues 226-246): DPVYDESTDE[Glu236Lys]SENQTDLSGL